The following is an entry in ClinVar:

ClinVar aggregate classification (germline): Benign (1 of 4 stars; one submission).

Allele frequency attached by ClinVar (database versions not stated): gnomAD 0.43799 and 0.43900; TOPMed 0.46442; 1000 Genomes Project 0.52835; 1000 Genomes Project 30x 0.52983.

Submission:

GeneDx
Classification: Benign. Last evaluated: 2018-06-14. Review status: criteria provided, single submitter. Criteria: GeneDx Variant Classification (06012015). Collection method: clinical testing. Allele origin: germline. Affected: yes.
Comment: This variant is considered likely benign or benign based on one or more of the following criteria: it is a conservative change, it occurs at a poorly conserved position in the protein, it is predicted to be benign by multiple in silico algorithms, and/or has population frequency not consistent with disease.

NM_014049.5(ACAD9):c.882+198A>G

Gene: ACAD9 (acyl-CoA dehydrogenase family member 9; plus strand). Cytogenetic location: 3q21.3.
Variant type: single nucleotide variant.
Coding change: c.882+198A>G on transcript NM_014049.5 (MANE Select); 198 bases into the intron after coding-DNA position 882, A replaced by G.
Molecular consequence: intron variant.
Genome position (GRCh38, 1-based): chr3:128,901,547, A>G. VCF-style: chr3-128901547-A-G. GRCh37 (hg19) VCF-style: chr3-128620390-A-G.
Identifiers: ClinVar variation 677922 (VCV000677922.1), dbSNP rs1680794, ClinGen allele CA11420192.